The following is an entry in ClinVar:

NM_001128159.3(VPS53):c.1396G>A (p.Ala466Thr)

Gene: VPS53 (VPS53 subunit of GARP complex; minus strand). Cytogenetic location: 17p13.3.
Variant type: single nucleotide variant.
Coding change: c.1396G>A on transcript NM_001128159.3 (MANE Select); coding-DNA position 1396, G replaced by A.
Protein change: p.Ala466Thr; replaces alanine 466 with threonine.
Molecular consequence: missense variant.
Genome position (GRCh38, 1-based): chr17:562,663, C>T on the plus strand (G>A on the coding strand, the complement: VPS53 is on the minus strand). VCF-style: chr17-562663-C-T. GRCh37 (hg19) VCF-style: chr17-465903-C-T.
Other names: c.1396G>A, p.Ala466Thr (NM_001366253.2); c.802G>A, p.Ala268Thr (NM_001366254.2); c.1309G>A, p.Ala437Thr (NM_018289.4); short protein forms A268T, A437T, A466T.
Identifiers: ClinVar variation 1710359 (VCV001710359.3), dbSNP rs901177202, ClinGen allele CA286639896.

ClinVar aggregate classification (germline): Uncertain significance (1 of 4 stars; one submission).

Allele frequency attached by ClinVar (database versions not stated): TOPMed below 0.00001.

Submission:

Greenwood Genetic Center Diagnostic Laboratories, Greenwood Genetic Center
Classification: Uncertain significance. Last evaluated: 2022-08-17. Review status: criteria provided, single submitter. Criteria: ACMG Guidelines, 2015. Collection method: clinical testing. Allele origin: germline. Affected: yes.
Comment: Gene of Uncertain Significance